The following is an entry in ClinVar:

NM_000416.3(IFNGR1):c.520G>T (p.Val174Leu)

Gene: IFNGR1 (interferon gamma receptor 1; minus strand). Cytogenetic location: 6q23.3.
Variant type: single nucleotide variant.
Coding change: c.520G>T on transcript NM_000416.3 (MANE Select); coding-DNA position 520, G replaced by T.
Protein change: p.Val174Leu; replaces valine 174 with leucine.
Molecular consequence: missense variant.
Genome position (GRCh38, 1-based): chr6:137,204,358, C>A on the plus strand (G>T on the coding strand, the complement: IFNGR1 is on the minus strand). VCF-style: chr6-137204358-C-A. GRCh37 (hg19) VCF-style: chr6-137525495-C-A.
Other names: c.490G>T, p.Val164Leu (NM_001363526.1); c.397G>T, p.Val133Leu (NM_001363527.1); short protein forms V164L, V133L, V174L.
Identifiers: ClinVar variation 2164331 (VCV002164331.4), dbSNP rs779677441, ClinGen allele CA4018959.

ClinVar aggregate classification (germline): Uncertain significance (1 of 4 stars; one submission).

Conditions:
Disseminated atypical mycobacterial infection. Identifiers: MedGen C0694566.

Allele frequency attached by ClinVar (database versions not stated): ExAC 0.00001.
gnomAD v4.1: 15 of 1,613,910 alleles (0.00093%); highest among the groups gnomAD compares: Non-Finnish European, 0.0013%; no homozygotes.

Submission:

Labcorp Genetics (formerly Invitae), Labcorp
Classification: Uncertain significance for Disseminated atypical mycobacterial infection. Last evaluated: 2022-02-06. Review status: criteria provided, single submitter. Criteria: Invitae Variant Classification Sherloc (09022015). Collection method: clinical testing. Allele origin: germline.
Comment: This variant has not been reported in the literature in individuals affected with IFNGR1-related conditions. Algorithms developed to predict the effect of missense changes on protein structure and function output the following: SIFT: "Tolerated"; PolyPhen-2: "Benign"; Align-GVGD: "Class C0". The leucine amino acid residue is found in multiple mammalian species, which suggests that this missense change does not adversely affect protein function. In summary, the available evidence is currently insufficient to determine the role of this variant in disease. Therefore, it has been classified as a Variant of Uncertain Significance. This variant is present in population databases (rs779677441, gnomAD 0.0009%). This sequence change replaces valine, which is neutral and non-polar, with leucine, which is neutral and non-polar, at codon 174 of the IFNGR1 protein (p.Val174Leu).